The following is an entry in ClinVar:

NM_003060.4(SLC22A5):c.811G>A (p.Val271Met)

Gene: SLC22A5 (solute carrier family 22 member 5; plus strand). Cytogenetic location: 5q31.1.
Variant type: single nucleotide variant.
Coding change: c.811G>A on transcript NM_003060.4 (MANE Select); coding-DNA position 811, G replaced by A.
Protein change: p.Val271Met; replaces valine 271 with methionine.
Molecular consequence: missense variant.
Genome position (GRCh38, 1-based): chr5:132,385,486, G>A. VCF-style: chr5-132385486-G-A. GRCh37 (hg19) VCF-style: chr5-131721178-G-A.
Other names: c.883G>A, p.Val295Met (NM_001308122.2); short protein forms V271M, V295M.
Identifiers: ClinVar variation 579761 (VCV000579761.19), dbSNP rs143013773, ClinGen allele CA3403980.

ClinVar aggregate classification (germline): Uncertain significance. Review status: criteria provided, multiple submitters, no conflicts (2 of 4 stars). 6 submissions from 6 submitters: Uncertain significance (5). 1 of the submissions does not count toward it. Last evaluated 2024-01-17.

Conditions:
Renal carnitine transport defect (CDSP). Also called: Carnitine transporter deficiency; Systemic primary carnitine deficiency disease; Primary carnitine deficiency; CARNITINE DEFICIENCY, SYSTEMIC, DUE TO DEFECT IN RENAL REABSORPTION OF CARNITINE; CARNITINE TRANSPORTER, PLASMA-MEMBRANE, DEFICIENCY OF; CARNITINE UPTAKE DEFECT. Identifiers: Orphanet 158, MedGen C0342788, MONDO:0008919, OMIM 212140.

Allele frequency attached by ClinVar (database versions not stated): gnomAD 0.00004 and 0.00005; gnomAD exomes 0.00005 and 0.00010; TOPMed 0.00005; ESP Exome Variant Server 0.00008; ExAC 0.00011.

Submissions (6):

Labcorp Genetics (formerly Invitae), Labcorp
Classification: Uncertain significance for Renal carnitine transport defect. Last evaluated: 2024-01-17. Review status: criteria provided, single submitter. Criteria: Invitae Variant Classification Sherloc (09022015). Collection method: clinical testing. Allele origin: germline.
Comment: This sequence change replaces valine, which is neutral and non-polar, with methionine, which is neutral and non-polar, at codon 271 of the SLC22A5 protein (p.Val271Met). This variant is present in population databases (rs143013773, gnomAD 0.01%). This variant has not been reported in the literature in individuals affected with SLC22A5-related conditions. ClinVar contains an entry for this variant (Variation ID: 579761). Advanced modeling of protein sequence and biophysical properties (such as structural, functional, and spatial information, amino acid conservation, physicochemical variation, residue mobility, and thermodynamic stability) has been performed at Invitae for this missense variant, however the output from this modeling did not meet the statistical confidence thresholds required to predict the impact of this variant on SLC22A5 protein function. In summary, the available evidence is currently insufficient to determine the role of this variant in disease. Therefore, it has been classified as a Variant of Uncertain Significance.

Revvity Omics, Revvity
Classification: Uncertain significance for Renal carnitine transport defect. Last evaluated: 2022-10-31. Review status: criteria provided, single submitter. Criteria: ACMG Guidelines, 2015. Collection method: clinical testing. Allele origin: germline.

Mayo Clinic Laboratories, Mayo Clinic
Classification: Uncertain significance. Last evaluated: 2022-02-11. Review status: criteria provided, single submitter. Criteria: ACMG Guidelines, 2015. Collection method: clinical testing. Allele origin: germline. Observed: 2 variant alleles.
Comment: BP4

Genome-Nilou Lab
Classification: Uncertain significance for Renal carnitine transport defect. Last evaluated: 2021-07-15. Review status: criteria provided, single submitter. Criteria: ACMG Guidelines, 2015. Collection method: clinical testing. Allele origin: germline. Affected: no.

Illumina Laboratory Services, Illumina
Classification: Uncertain significance for Renal carnitine transport defect. Last evaluated: 2018-01-12. Review status: criteria provided, single submitter. Criteria: ICSL Variant Classification Criteria 13 December 2019. Collection method: clinical testing. Allele origin: germline.

Natera, Inc.
Classification: Uncertain significance for Primary systemic carnitine deficiency. Last evaluated: 2020-09-16. Review status: no assertion criteria provided. Collection method: clinical testing. Allele origin: germline. Not counted in ClinVar's aggregate classification.